The following is an entry in ClinVar:

NM_000043.6(FAS):c.629A>C (p.His210Pro)

Gene: FAS (Fas cell surface death receptor; plus strand). Cytogenetic location: 10q23.31.
Variant type: single nucleotide variant.
Coding change: c.629A>C on transcript NM_000043.6 (MANE Select); coding-DNA position 629, A replaced by C.
Protein change: p.His210Pro; replaces histidine 210 with proline.
Molecular consequence: missense variant. On other transcripts: non-coding transcript variant (6), intron variant (1).
Genome position (GRCh38, 1-based): chr10:89,012,059, A>C. VCF-style: chr10-89012059-A-C. GRCh37 (hg19) VCF-style: chr10-90771816-A-C.
Other names: c.674A>C, p.His225Pro (NM_001410956.1); c.566A>C, p.His189Pro (NM_152871.4); c.629A>C, p.His210Pro (NM_152872.4); c.568+1244A>C (NM_001320619.2); short protein forms H210P, H225P, H189P.
Identifiers: ClinVar variation 4736522 (VCV004736522.1).

ClinVar aggregate classification (germline): Uncertain significance (1 of 4 stars; one submission).

Conditions:
Autoimmune lymphoproliferative syndrome type 1. Also called: AUTOIMMUNE LYMPHOPROLIFERATIVE SYNDROME, TYPE I, AUTOSOMAL DOMINANT. Identifiers: Orphanet 3261, MedGen C2717884, MONDO:0011158, OMIM 601859.

Submission:

Labcorp Genetics (formerly Invitae), Labcorp
Classification: Uncertain significance for Autoimmune lymphoproliferative syndrome. Last evaluated: 2026-02-01. Review status: criteria provided, single submitter. Criteria: Invitae Variant Classification Sherloc (09022015). Collection method: clinical testing. Allele origin: germline.
Comment: This sequence change replaces histidine, which is basic and polar, with proline, which is neutral and non-polar, at codon 210 of the FAS protein (p.His210Pro). This variant is not present in population databases (gnomAD no frequency). This variant has not been reported in the literature in individuals affected with FAS-related conditions. An algorithm developed to predict the effect of missense changes on protein structure and function outputs the following: PolyPhen-2: "Benign". The proline amino acid residue is found in multiple mammalian species, which suggests that this missense change does not adversely affect protein function. In summary, the available evidence is currently insufficient to determine the role of this variant in disease. Therefore, it has been classified as a Variant of Uncertain Significance.